The following is an entry in ClinVar:

NM_001377.3(DYNC2H1):c.5512G>A (p.Ala1838Thr)

Gene: DYNC2H1 (dynein cytoplasmic 2 heavy chain 1; plus strand). Cytogenetic location: 11q22.3.
Variant type: single nucleotide variant.
Coding change: c.5512G>A on transcript NM_001377.3 (MANE Select); coding-DNA position 5512, G replaced by A.
Protein change: p.Ala1838Thr; replaces alanine 1838 with threonine.
Molecular consequence: missense variant.
Genome position (GRCh38, 1-based): chr11:103,173,259, G>A. VCF-style: chr11-103173259-G-A. GRCh37 (hg19) VCF-style: chr11-103043988-G-A.
Other names: c.5512G>A, p.Ala1838Thr (NM_001080463.2); short protein forms A1838T.
Identifiers: ClinVar variation 302047 (VCV000302047.7), dbSNP rs777912444, ClinGen allele CA6253778.

ClinVar aggregate classification (germline): Uncertain significance. Review status: criteria provided, multiple submitters, no conflicts (2 of 4 stars). 2 submissions from 2 submitters: Uncertain significance (2). Last evaluated 2022-01-15.

Conditions:
Jeune thoracic dystrophy. Also called: Short-rib thoracic dysplasia; Jeune syndrome; Infantile thoracic dystrophy; Thoracic pelvic phalangeal dystrophy; Jeune's syndrome; Chondroectodermal dysplasia-like syndrome. Identifiers: Orphanet 474, MedGen C0265275, MONDO:0018770.
Asphyxiating thoracic dystrophy 3. Also called: SHORT-RIB THORACIC DYSPLASIA 3 WITH OR WITHOUT POLYDACTYLY; POLYDACTYLY WITH NEONATAL CHONDRODYSTROPHY, TYPE I; SHORT-RIB THORACIC DYSPLASIA 3/6 WITH POLYDACTYLY, DIGENIC; Short rib polydactyly syndrome 2B; Saldino-Noonan Syndrome. Identifiers: Orphanet 474, Orphanet 93269, Orphanet 93270, Orphanet 93271, MedGen C0036069, MONDO:0013127, OMIM 613091.

Allele frequency attached by ClinVar (database versions not stated): gnomAD 0.00001; gnomAD exomes 0.00001 and 0.00002; ExAC 0.00002; TOPMed 0.00002.
gnomAD v4.1: 32 of 1,592,654 alleles (0.002%); highest among the groups gnomAD compares: Middle Eastern, 0.017%; no homozygotes.

Submissions (2):

Labcorp Genetics (formerly Invitae), Labcorp
Classification: Uncertain significance for Jeune thoracic dystrophy. Last evaluated: 2022-01-15. Review status: criteria provided, single submitter. Criteria: Invitae Variant Classification Sherloc (09022015). Collection method: clinical testing. Allele origin: germline.
Comment: This sequence change replaces alanine, which is neutral and non-polar, with threonine, which is neutral and polar, at codon 1838 of the DYNC2H1 protein (p.Ala1838Thr). This variant is present in population databases (rs777912444, gnomAD 0.003%). This variant has not been reported in the literature in individuals affected with DYNC2H1-related conditions. ClinVar contains an entry for this variant (Variation ID: 302047). Advanced modeling of protein sequence and biophysical properties (such as structural, functional, and spatial information, amino acid conservation, physicochemical variation, residue mobility, and thermodynamic stability) performed at Invitae indicates that this missense variant is not expected to disrupt DYNC2H1 protein function. In summary, the available evidence is currently insufficient to determine the role of this variant in disease. Therefore, it has been classified as a Variant of Uncertain Significance.

Illumina Laboratory Services, Illumina
Classification: Uncertain significance for Asphyxiating thoracic dystrophy 3. Last evaluated: 2018-01-12. Review status: criteria provided, single submitter. Criteria: ICSL Variant Classification Criteria 13 December 2019. Collection method: clinical testing. Allele origin: germline.